The following is an entry in ClinVar:

NM_004281.4(BAG3):c.946C>T (p.Gln316Ter)

Gene: BAG3 (BAG cochaperone 3; plus strand). Cytogenetic location: 10q26.11.
Variant type: single nucleotide variant.
Coding change: c.946C>T on transcript NM_004281.4 (MANE Select); coding-DNA position 946, C replaced by T.
Protein change: p.Gln316Ter; replaces glutamine 316 with a stop codon.
Molecular consequence: nonsense.
Genome position (GRCh38, 1-based): chr10:119,676,500, C>T. VCF-style: chr10-119676500-C-T. GRCh37 (hg19) VCF-style: chr10-121436012-C-T.
Other names: short protein forms Q316*.
Identifiers: ClinVar variation 840339 (VCV000840339.13), dbSNP rs1847236072, ClinGen allele CA378296318.

ClinVar aggregate classification (germline): Pathogenic/Likely pathogenic. Review status: criteria provided, multiple submitters, no conflicts (2 of 4 stars). 2 submissions from 2 submitters: Pathogenic (1); Likely pathogenic (1). Last evaluated 2022-07-26.

Conditions:
Myofibrillar myopathy 6. Identifiers: Orphanet 199340, MedGen C2751831, MONDO:0013061, OMIM 612954.
Dilated cardiomyopathy 1HH (CMD1HH). Identifiers: Orphanet 154, MedGen C3151293, MONDO:0013479, OMIM 613881.

Submissions (2):

Labcorp Genetics (formerly Invitae), Labcorp
Classification: Pathogenic for Dilated cardiomyopathy 1HH; Myofibrillar myopathy 6. Last evaluated: 2022-07-26. Review status: criteria provided, single submitter. Criteria: Invitae Variant Classification Sherloc (09022015). Collection method: clinical testing. Allele origin: germline.
Comment: For these reasons, this variant has been classified as Pathogenic. This variant disrupts a region of the BAG3 protein in which other variant(s) (p.Leu423Lysfs*14, p.Tyr441*) have been determined to be pathogenic (PMID: 24623017, 25008357). This suggests that this is a clinically significant region of the protein, and that variants that disrupt it are likely to be disease-causing. ClinVar contains an entry for this variant (Variation ID: 840339). This premature translational stop signal has been observed in individual(s) with dilated cardiomyopathy (PMID: 28611029). This variant is not present in population databases (gnomAD no frequency). This sequence change creates a premature translational stop signal (p.Gln316*) in the BAG3 gene. While this is not anticipated to result in nonsense mediated decay, it is expected to disrupt the last 260 amino acid(s) of the BAG3 protein.

GeneDx
Classification: Likely pathogenic. Last evaluated: 2019-04-19. Review status: criteria provided, single submitter. Criteria: GeneDx Variant Classification Process June 2021. Collection method: clinical testing. Allele origin: germline. Affected: yes.
Comment: Not observed in large population cohorts (Lek et al., 2016); Nonsense variant in the C-terminus predicted to result in protein truncation and the loss of the last 261 amino acids; Other loss-of-function variants in BAG3 have been reported downstream in the Human Gene Mutation Database in association with cardiomyopathy (Stenson et al., 2014); This variant is associated with the following publications: (PMID: 28611029)

Literature cited by the submitters: PubMed 24623017 (cited by Labcorp Genetics (formerly Invitae), Labcorp); PubMed 25008357 (cited by Labcorp Genetics (formerly Invitae), Labcorp); PubMed 28611029 (cited by Labcorp Genetics (formerly Invitae), Labcorp).